The following is an entry in ClinVar:

ClinVar aggregate classification (germline): Likely pathogenic (1 of 4 stars; one submission).

Submission:

Labcorp Genetics (formerly Invitae), Labcorp
Classification: Likely pathogenic. Last evaluated: 2022-08-06. Review status: criteria provided, single submitter. Criteria: Invitae Variant Classification Sherloc (09022015). Collection method: clinical testing. Allele origin: germline.
Comment: In summary, the currently available evidence indicates that the variant is pathogenic, but additional data are needed to prove that conclusively. Therefore, this variant has been classified as Likely Pathogenic. Advanced modeling of protein sequence and biophysical properties (such as structural, functional, and spatial information, amino acid conservation, physicochemical variation, residue mobility, and thermodynamic stability) performed at Invitae indicates that this missense variant is expected to disrupt ATP2A2 protein function. This missense change has been observed in individuals with Darier disease (PMID: 30450560; Invitae). This variant is not present in population databases (gnomAD no frequency). This sequence change replaces serine, which is neutral and polar, with leucine, which is neutral and non-polar, at codon 178 of the ATP2A2 protein (p.Ser178Leu).

Literature cited by the submitters: PubMed 30450560.

NM_170665.4(ATP2A2):c.533C>T (p.Ser178Leu)

Gene: ATP2A2 (ATPase sarcoplasmic/endoplasmic reticulum Ca2+ transporting 2; plus strand). Cytogenetic location: 12q24.11.
Variant type: single nucleotide variant.
Coding change: c.533C>T on transcript NM_170665.4 (MANE Select); coding-DNA position 533, C replaced by T.
Protein change: p.Ser178Leu; replaces serine 178 with leucine.
Molecular consequence: missense variant.
Genome position (GRCh38, 1-based): chr12:110,323,061, C>T. VCF-style: chr12-110323061-C-T. GRCh37 (hg19) VCF-style: chr12-110760866-C-T.
Other names: c.428C>T, p.Ser143Leu (NM_001413013.1); c.533C>T, p.Ser178Leu (NM_001413014.1, NM_001681.4); c.158C>T, p.Ser53Leu (NM_001413015.1); short protein forms S178L, S143L, S53L.
Identifiers: ClinVar variation 2159516 (VCV002159516.4), dbSNP rs2548550584, ClinGen allele CA386664671.